The following is an entry in ClinVar:

NM_003482.4(KMT2D):c.1364A>C (p.Glu455Ala)

Gene: KMT2D (lysine methyltransferase 2D; minus strand). Cytogenetic location: 12q13.12.
Variant type: single nucleotide variant.
Coding change: c.1364A>C on transcript NM_003482.4 (MANE Select); coding-DNA position 1364, A replaced by C.
Protein change: p.Glu455Ala; replaces glutamic acid 455 with alanine.
Molecular consequence: missense variant.
Genome position (GRCh38, 1-based): chr12:49,052,319, T>G on the plus strand (A>C on the coding strand, the complement: KMT2D is on the minus strand). VCF-style: chr12-49052319-T-G. GRCh37 (hg19) VCF-style: chr12-49446102-T-G.
Other names: short protein forms E455A.
Identifiers: ClinVar variation 2706654 (VCV002706654.3), dbSNP rs2120685201, ClinGen allele CA384675147.
Genomic context (GRCh38, chr12:49,052,319, plus strand): 5'-GGCAATTCCTCAGGTGGTGGTGACAGGCGTGATGCCTCAGGTGGTGGGGACGTGGGTGAT[T>G]CCTCAGGTGGTGGGGACAGGGGTGACTCCTCAGGTGGGGGCAGCAGTGGCATCTCCTCGT-3'
Protein context (NP_003473.3, residues 445-465): EESPLSPPPE[Glu455Ala]SPTSPPPEAS

ClinVar aggregate classification (germline): Uncertain significance (1 of 4 stars; one submission).

Conditions:
Kabuki syndrome. Also called: Kabuki make-up syndrome; NIIKAWA-KUROKI SYNDROME. Identifiers: Orphanet 2322, MedGen C0796004, MONDO:0016512.

Submission:

Labcorp Genetics (formerly Invitae), Labcorp
Classification: Uncertain significance for Kabuki syndrome. Last evaluated: 2023-06-09. Review status: criteria provided, single submitter. Criteria: Invitae Variant Classification Sherloc (09022015). Collection method: clinical testing. Allele origin: germline.
Comment: Advanced modeling of protein sequence and biophysical properties (such as structural, functional, and spatial information, amino acid conservation, physicochemical variation, residue mobility, and thermodynamic stability) performed at Invitae indicates that this missense variant is not expected to disrupt KMT2D protein function. This variant has not been reported in the literature in individuals affected with KMT2D-related conditions. This variant is not present in population databases (gnomAD no frequency). This sequence change replaces glutamic acid, which is acidic and polar, with alanine, which is neutral and non-polar, at codon 455 of the KMT2D protein (p.Glu455Ala). In summary, the available evidence is currently insufficient to determine the role of this variant in disease. Therefore, it has been classified as a Variant of Uncertain Significance.